The following is an entry in ClinVar:

ClinVar aggregate classification (germline): Uncertain significance (1 of 4 stars; one submission).

Conditions:
Emery-Dreifuss muscular dystrophy 4, autosomal dominant (EDMD4). Also called: EMERY-DREIFUSS MUSCULAR DYSTROPHY 4 WITH VARIABLE FEATURES. Identifiers: Orphanet 261, MedGen C2751807, MONDO:0013071, OMIM 612998.
Autosomal recessive ataxia, Beauce type. Also called: Spinocerebellar ataxia, autosomal recessive 8; ATAXIA, RECESSIVE, OF BEAUCE; SYNE1 Deficiency; SYNE1-Related Autosomal Recessive Cerebellar Ataxia. Identifiers: Orphanet 88644, MedGen C1853116, MONDO:0012549, OMIM 610743.

gnomAD v4.1: 1 of 1,609,880 alleles (0.000062%); highest among the groups gnomAD compares: Non-Finnish European, 0.000085%; no homozygotes.

Submission:

Labcorp Genetics (formerly Invitae), Labcorp
Classification: Uncertain significance for Emery-Dreifuss muscular dystrophy 4, autosomal dominant; Autosomal recessive ataxia, Beauce type. Last evaluated: 2024-10-22. Review status: criteria provided, single submitter. Criteria: Invitae Variant Classification Sherloc (09022015). Collection method: clinical testing. Allele origin: germline.
Comment: This sequence change replaces aspartic acid, which is acidic and polar, with glycine, which is neutral and non-polar, at codon 340 of the SYNE1 protein (p.Asp340Gly). This variant is not present in population databases (gnomAD no frequency). This variant has not been reported in the literature in individuals affected with SYNE1-related conditions. ClinVar contains an entry for this variant (Variation ID: 1513373). An algorithm developed to predict the effect of missense changes on protein structure and function (PolyPhen-2) suggests that this variant is likely to be disruptive. In summary, the available evidence is currently insufficient to determine the role of this variant in disease. Therefore, it has been classified as a Variant of Uncertain Significance.

NM_182961.4(SYNE1):c.998A>G (p.Asp333Gly)

Gene: SYNE1 (spectrin repeat containing nuclear envelope protein 1; minus strand). Cytogenetic location: 6q25.2.
Variant type: single nucleotide variant.
Coding change: c.998A>G on transcript NM_182961.4 (MANE Select); coding-DNA position 998, A replaced by G.
Protein change: p.Asp333Gly; replaces aspartic acid 333 with glycine.
Molecular consequence: missense variant.
Genome position (GRCh38, 1-based): chr6:152,488,445, T>C on the plus strand (A>G on the coding strand, the complement: SYNE1 is on the minus strand). VCF-style: chr6-152488445-T-C. GRCh37 (hg19) VCF-style: chr6-152809580-T-C.
Other names: c.1019A>G, p.Asp340Gly (NM_033071.5); short protein forms D333G, D340G.
Identifiers: ClinVar variation 1513373 (VCV001513373.8), dbSNP rs2154300492, ClinGen allele CA366144365.